The following is an entry in ClinVar:

ClinVar aggregate classification (germline): Pathogenic. Review status: criteria provided, multiple submitters, no conflicts (2 of 4 stars). 2 submissions from 2 submitters: Pathogenic (2). Last evaluated 2023-11-22.

Conditions:
Peroxisome biogenesis disorder 9B. Also called: PEX7-Related Refsum Disease; Refsum disease, adult, 2; PEROXISOME BIOGENESIS DISORDER, PEX7-RELATED, ATYPICAL. Identifiers: Orphanet 773, MedGen C2749346, MONDO:0013945, OMIM 614879.

Submissions (2):

Baylor Genetics
Classification: Pathogenic for Peroxisome biogenesis disorder 9B. Last evaluated: 2023-11-22. Review status: criteria provided, single submitter. Criteria: ACMG Guidelines, 2015. Collection method: clinical testing. Allele origin: unknown.

Labcorp Genetics (formerly Invitae), Labcorp
Classification: Pathogenic for Peroxisome biogenesis disorder 9B. Last evaluated: 2022-10-12. Review status: criteria provided, single submitter. Criteria: Invitae Variant Classification Sherloc (09022015). Collection method: clinical testing. Allele origin: germline.
Comment: This sequence change creates a premature translational stop signal (p.Gly16Argfs*37) in the PEX7 gene. It is expected to result in an absent or disrupted protein product. Loss-of-function variants in PEX7 are known to be pathogenic (PMID: 12325024, 12522768, 20301447). For these reasons, this variant has been classified as Pathogenic. This variant is also known as 45delGGGACGCC (P15fs). This premature translational stop signal has been observed in individual(s) with rhizomelic chondrodysplasia punctata (PMID: 12325024). This variant is not present in population databases (gnomAD no frequency).

Literature cited by the submitters: PubMed 12325024 (cited by Labcorp Genetics (formerly Invitae), Labcorp); PubMed 12522768 (cited by Labcorp Genetics (formerly Invitae), Labcorp); PubMed 20301447 (cited by Labcorp Genetics (formerly Invitae), Labcorp).

NM_000288.4(PEX7):c.45_52del (p.Gly16fs)

Gene: PEX7 (peroxisomal biogenesis factor 7; plus strand). Cytogenetic location: 6q23.3.
Variant type: Deletion.
Coding change: c.45_52del on transcript NM_000288.4 (MANE Select); coding-DNA positions 45 to 52, 8 bases deleted (GGGACGCC; older notation c.45_52delGGGACGCC).
Protein change: p.Gly16fs; shifts the reading frame from glycine 16.
Molecular consequence: frameshift variant.
Genome position (GRCh38, 1-based): chr6:136,822,710-136,822,717, GGGACGCC deleted; deleting any 8 consecutive bases within chr6:136,822,703-136,822,717 gives the same sequence; the c. name uses the placement nearest the transcript's 3' end. VCF-style (leftmost placement, unchanged base first): chr6-136822702-CGGACGCCG-C. GRCh37 (hg19) VCF-style: chr6-137143840-CGGACGCCG-C.
Other names: short protein forms G16fs.
Identifiers: ClinVar variation 2136476 (VCV002136476.5), dbSNP rs63535662, ClinGen allele CA148640674.
Genomic context (GRCh38, chr6:136,822,702, plus strand): 5'-CGAGGGCCGGGGGCGGCGGGCGGGATGAGTGCGGTGTGCGGTGGAGCGGCGCGGATGCTG[CGGACGCCG>C]GGACGCCACGGCTACGCCGCCGAGTTCTCCCCGTACCTGCCGGGCCGCCTGGCCTGCGCC-3'